The following is an entry in ClinVar:

ClinVar aggregate classification (germline): Uncertain significance (1 of 4 stars; one submission).

Allele frequency attached by ClinVar (database versions not stated): gnomAD exomes below 0.00001.
gnomAD v4.1: 3 of 1,614,114 alleles (0.00019%); highest among the groups gnomAD compares: Non-Finnish European, 0.00025%; no homozygotes.

Submission:

Labcorp Genetics (formerly Invitae), Labcorp
Classification: Uncertain significance. Last evaluated: 2022-07-10. Review status: criteria provided, single submitter. Criteria: Invitae Variant Classification Sherloc (09022015). Collection method: clinical testing. Allele origin: germline.
Comment: This sequence change replaces proline, which is neutral and non-polar, with threonine, which is neutral and polar, at codon 119 of the FBXL4 protein (p.Pro119Thr). This variant is present in population databases (no rsID available, gnomAD 0.0009%). This variant has not been reported in the literature in individuals affected with FBXL4-related conditions. Advanced modeling of protein sequence and biophysical properties (such as structural, functional, and spatial information, amino acid conservation, physicochemical variation, residue mobility, and thermodynamic stability) performed at Invitae indicates that this missense variant is not expected to disrupt FBXL4 protein function. In summary, the available evidence is currently insufficient to determine the role of this variant in disease. Therefore, it has been classified as a Variant of Uncertain Significance.

NM_001278716.2(FBXL4):c.355C>A (p.Pro119Thr)

Gene: FBXL4 (F-box and leucine rich repeat protein 4; minus strand). Cytogenetic location: 6q16.2.
Variant type: single nucleotide variant.
Coding change: c.355C>A on transcript NM_001278716.2 (MANE Select); coding-DNA position 355, C replaced by A.
Protein change: p.Pro119Thr; replaces proline 119 with threonine.
Molecular consequence: missense variant. On other transcripts: non-coding transcript variant (2).
Genome position (GRCh38, 1-based): chr6:98,926,634, G>T on the plus strand (C>A on the coding strand, the complement: FBXL4 is on the minus strand). VCF-style: chr6-98926634-G-T. GRCh37 (hg19) VCF-style: chr6-99374510-G-T.
Other names: c.355C>A, p.Pro119Thr (NM_012160.5); short protein forms P119T.
Identifiers: ClinVar variation 1901597 (VCV001901597.2), dbSNP rs980940348, ClinGen allele CA16021224.